The following is an entry in ClinVar:

ClinVar aggregate classification (germline): Uncertain significance (1 of 4 stars; one submission).

Conditions:
PROS1-related disorder. Also called: PROS1-related condition.

Allele frequency attached by ClinVar (database versions not stated): gnomAD exomes below 0.00001.
gnomAD v4.1: 2 of 1,612,682 alleles (0.00012%); highest among the groups gnomAD compares: Non-Finnish European, 0.00017%; no homozygotes.

Submission:

PreventionGenetics, part of Exact Sciences
Classification: Uncertain significance for PROS1-related condition. Last evaluated: 2022-09-19. Review status: criteria provided, single submitter. Criteria: ACMG Guidelines, 2015. Collection method: clinical testing. Allele origin: germline.
Comment: The PROS1 c.823C>T variant is predicted to result in the amino acid substitution p.Leu275Phe. To our knowledge, this variant has not been reported in the literature or in a large population database, indicating this variant is rare. At this time, the clinical significance of this variant is uncertain due to the absence of conclusive functional and genetic evidence.

NM_000313.4(PROS1):c.823C>T (p.Leu275Phe)

Gene: PROS1 (protein S; minus strand). Cytogenetic location: 3q11.1.
Variant type: single nucleotide variant.
Coding change: c.823C>T on transcript NM_000313.4 (MANE Select); coding-DNA position 823, C replaced by T.
Protein change: p.Leu275Phe; replaces leucine 275 with phenylalanine.
Molecular consequence: missense variant.
Genome position (GRCh38, 1-based): chr3:93,898,474, G>A on the plus strand (C>T on the coding strand, the complement: PROS1 is on the minus strand). VCF-style: chr3-93898474-G-A. GRCh37 (hg19) VCF-style: chr3-93617318-G-A.
Other names: c.919C>T, p.Leu307Phe (NM_001314077.2); short protein forms L275F, L307F.
Identifiers: ClinVar variation 2637372 (VCV002637372.1), dbSNP rs2472132249, ClinGen allele CA353672827.